The following is an entry in ClinVar:

NM_000062.3(SERPING1):c.139A>G (p.Thr47Ala)

Gene: SERPING1 (serpin family G member 1; plus strand). Cytogenetic location: 11q12.1.
Variant type: single nucleotide variant.
Coding change: c.139A>G on transcript NM_000062.3 (MANE Select); coding-DNA position 139, A replaced by G.
Protein change: p.Thr47Ala; replaces threonine 47 with alanine.
Molecular consequence: missense variant.
Genome position (GRCh38, 1-based): chr11:57,599,966, A>G. VCF-style: chr11-57599966-A-G. GRCh37 (hg19) VCF-style: chr11-57367439-A-G.
Other names: c.139A>G, p.Thr47Ala (NM_001032295.2); short protein forms T47A.
Identifiers: ClinVar variation 2840031 (VCV002840031.3), dbSNP rs2495425269, ClinGen allele CA380694511.

ClinVar aggregate classification (germline): Uncertain significance (1 of 4 stars; one submission).

Allele frequency attached by ClinVar (database versions not stated): gnomAD exomes below 0.00001.
gnomAD v4.1: 1 of 1,614,224 alleles (0.000062%); highest among the groups gnomAD compares: South Asian, 0.0011%; no homozygotes.

Submission:

Labcorp Genetics (formerly Invitae), Labcorp
Classification: Uncertain significance. Last evaluated: 2023-02-22. Review status: criteria provided, single submitter. Criteria: Invitae Variant Classification Sherloc (09022015). Collection method: clinical testing. Allele origin: germline.
Comment: This sequence change replaces threonine, which is neutral and polar, with alanine, which is neutral and non-polar, at codon 47 of the SERPING1 protein (p.Thr47Ala). This variant is not present in population databases (gnomAD no frequency). This variant has not been reported in the literature in individuals affected with SERPING1-related conditions. Advanced modeling of protein sequence and biophysical properties (such as structural, functional, and spatial information, amino acid conservation, physicochemical variation, residue mobility, and thermodynamic stability) performed at Invitae indicates that this missense variant is not expected to disrupt SERPING1 protein function. In summary, the available evidence is currently insufficient to determine the role of this variant in disease. Therefore, it has been classified as a Variant of Uncertain Significance.